The following is an entry in ClinVar:

NM_000179.3(MSH6):c.458-4C>T

Gene: MSH6 (mutS homolog 6; plus strand). Cytogenetic location: 2p16.3.
Variant type: single nucleotide variant.
Coding change: c.458-4C>T on transcript NM_000179.3 (MANE Select); 4 bases into the intron before coding-DNA position 458, C replaced by T.
Molecular consequence: intron variant.
Genome position (GRCh38, 1-based): chr2:47,795,890, C>T. VCF-style: chr2-47795890-C-T. GRCh37 (hg19) VCF-style: chr2-48023029-C-T.
Other names: c.-279-2721C>T (NM_001281493.2); c.238-2721C>T (NM_001281492.2); c.-445-4C>T (NM_001281494.2).
Identifiers: ClinVar variation 927845 (VCV000927845.12), dbSNP rs748645037, ClinGen allele CA913188005.

ClinVar aggregate classification (germline): Conflicting classifications of pathogenicity. Review status: criteria provided, conflicting classifications (1 of 4 stars). 3 submissions from 3 submitters: Uncertain significance (1); Likely benign (2). Last evaluated 2025-11-17.

Conditions:
Hereditary cancer-predisposing syndrome. Also called: Neoplastic Syndromes, Hereditary; Hereditary Cancer Syndrome; Tumor predisposition; Hereditary neoplastic syndrome. Identifiers: Orphanet 140162, MedGen C0027672, MeSH D009386, MONDO:0015356.
Hereditary nonpolyposis colorectal neoplasms. Identifiers: MedGen C0009405, MeSH D003123.
Lynch syndrome 5 (LYNCH5). Also called: Colorectal cancer, hereditary nonpolyposis, type 5; Hereditary non-polyposis colorectal cancer, type 5. Identifiers: Orphanet 144, MedGen C1833477, MONDO:0013710, OMIM 614350. Disease mechanism: loss of function.

gnomAD v4.1: 1 of 1,613,388 alleles (0.000062%); no homozygotes.

Submissions (3):

Labcorp Genetics (formerly Invitae), Labcorp
Classification: Likely benign for Hereditary nonpolyposis colorectal neoplasms. Last evaluated: 2025-11-17. Review status: criteria provided, single submitter. Criteria: Invitae Variant Classification Sherloc (09022015). Collection method: clinical testing. Allele origin: germline.

Myriad Genetics, Inc.
Classification: Likely benign for Lynch syndrome 5. Last evaluated: 2024-12-18. Review status: criteria provided, single submitter. Criteria: Myriad Autosomal Dominant, Autosomal Recessive and X-Linked Classification Criteria (2023). Collection method: clinical testing. Allele origin: unknown.
Comment: This variant is considered likely benign. This variant is intronic and is not expected to impact mRNA splicing.

Color Diagnostics, LLC DBA Color Health
Classification: Uncertain significance for Hereditary cancer-predisposing syndrome. Last evaluated: 2018-11-02. Review status: criteria provided, single submitter. Criteria: ACMG Guidelines, 2015. Collection method: clinical testing. Allele origin: germline.